The following is an entry in ClinVar:

NM_000143.4(FH):c.796A>T (p.Met266Leu)

Gene: FH (fumarate hydratase; minus strand). Cytogenetic location: 1q43.
Variant type: single nucleotide variant.
Coding change: c.796A>T on transcript NM_000143.4 (MANE Select); coding-DNA position 796, A replaced by T.
Protein change: p.Met266Leu; replaces methionine 266 with leucine.
Molecular consequence: missense variant.
Genome position (GRCh38, 1-based): chr1:241,506,111, T>A on the plus strand (A>T on the coding strand, the complement: FH is on the minus strand). VCF-style: chr1-241506111-T-A. GRCh37 (hg19) VCF-style: chr1-241669411-T-A.
Other names: short protein forms M266L.
Identifiers: ClinVar variation 1761422 (VCV001761422.6), dbSNP rs754285771, ClinGen allele CA345439005.
Genomic context (GRCh38, chr1:241,506,111, plus strand): 5'-TAGTATTTAAACCTGTACCAACAGCAGTGCCTCCAGCTGCGAGCTCATAGATTCTTGGCA[T>A]GGCAGCTTTTATTCTTGTCATTGCATATTTTACTTGTTGAACATAACCACTAAATTCCTG-3'
Protein context (NP_000134.2, residues 256-276): KYAMTRIKAA[Met266Leu]PRIYELAAGG

ClinVar aggregate classification (germline): Uncertain significance. Review status: criteria provided, multiple submitters, no conflicts (2 of 4 stars). 2 submissions from 2 submitters: Uncertain significance (2). Last evaluated 2025-12-15.

Conditions:
Hereditary cancer-predisposing syndrome. Also called: Tumor predisposition; Hereditary Cancer Syndrome; Hereditary neoplastic syndrome; Neoplastic Syndromes, Hereditary. Identifiers: Orphanet 140162, MedGen C0027672, MeSH D009386, MONDO:0015356.

gnomAD v4.1: 1 of 1,614,026 alleles (0.000062%); highest among the groups gnomAD compares: Non-Finnish European, 0.000085%; no homozygotes.

Submissions (2):

Ambry Genetics
Classification: Uncertain significance for Hereditary cancer-predisposing syndrome. Last evaluated: 2025-12-15. Review status: criteria provided, single submitter. Criteria: Ambry Variant Classification Scheme 2023. Collection method: clinical testing. Allele origin: germline.
Comment: The p.M266L variant (also known as c.796A>T), located in coding exon 6 of the FH gene, results from an A to T substitution at nucleotide position 796. The methionine at codon 266 is replaced by leucine, an amino acid with highly similar properties. This amino acid position is not well conserved in available vertebrate species, and leucine is the reference amino acid in other vertebrate species. In addition, the in silico prediction for this alteration is inconclusive. Since supporting evidence is limited at this time, the clinical significance of this alteration remains unclear.

Labcorp Genetics (formerly Invitae), Labcorp
Classification: Uncertain significance. Last evaluated: 2023-12-18. Review status: criteria provided, single submitter. Criteria: Invitae Variant Classification Sherloc (09022015). Collection method: clinical testing. Allele origin: germline.
Comment: This sequence change replaces methionine, which is neutral and non-polar, with leucine, which is neutral and non-polar, at codon 266 of the FH protein (p.Met266Leu). This variant is present in population databases (no rsID available, gnomAD 0.0009%). This variant has not been reported in the literature in individuals affected with FH-related conditions. ClinVar contains an entry for this variant (Variation ID: 1761422). Advanced modeling of protein sequence and biophysical properties (such as structural, functional, and spatial information, amino acid conservation, physicochemical variation, residue mobility, and thermodynamic stability) performed at Invitae indicates that this missense variant is not expected to disrupt FH protein function with a negative predictive value of 95%. In summary, the available evidence is currently insufficient to determine the role of this variant in disease. Therefore, it has been classified as a Variant of Uncertain Significance.